The following is an entry in ClinVar:

NM_001244008.2(KIF1A):c.3782G>A (p.Gly1261Asp)

Genes: KIF1A (kinesin family member 1A; minus strand), LOC126806583 (P300/CBP strongly-dependent group 1 enhancer GRCh37_chr2:241678910-241680109; plus strand). Cytogenetic location: 2q37.3.
Variant type: single nucleotide variant.
Coding change: c.3782G>A on transcript NM_001244008.2 (MANE Select); coding-DNA position 3782, G replaced by A.
Protein change: p.Gly1261Asp; replaces glycine 1261 with aspartic acid.
Molecular consequence: missense variant.
Genome position (GRCh38, 1-based): chr2:240,740,332, C>T on the plus strand (G>A on the coding strand, the complement: KIF1A is on the minus strand). VCF-style: chr2-240740332-C-T. GRCh37 (hg19) VCF-style: chr2-241679749-C-T.
Other names: c.3506G>A, p.Gly1169Asp (NM_001320705.2, NM_001330289.2, NM_001379638.1); c.3581G>A, p.Gly1194Asp (NM_001330290.2, NM_001379634.1, NM_001379635.1 and 1 more transcripts); c.3857G>A, p.Gly1286Asp (NM_001379631.1); c.3731G>A, p.Gly1244Asp (NM_001379632.1); c.3755G>A, p.Gly1252Asp (NM_001379633.1, NM_001379642.1, NM_001379645.1); c.3479G>A, p.Gly1160Asp (NM_001379636.1, NM_001379639.1, NM_001379641.1 and 5 more transcripts); c.3554G>A, p.Gly1185Asp (NM_001379637.1, NM_001379648.1); c.3476G>A, p.Gly1159Asp (NM_001379640.1); short protein forms G1159D, G1160D, G1169D, G1185D, G1194D, G1244D, G1252D, G1261D.
Identifiers: ClinVar variation 3753696 (VCV003753696.2).
Genomic context (GRCh38, chr2:240,740,332, plus strand): 5'-AGGGTAGGGGCAAGAGGGGCTCACACCTGGTGGAGGAGGAAGGTCCCCATGCATGGCATG[C>T]CCCCACGGTGGTCCACCACGGCCGGGATGTAACTGGAAGAGAGAGACACATGTGAGGAGC-3'
Protein context (NP_001230937.1, residues 1251-1271): YIPAVVDHRG[Gly1261Asp]MPCMGTFLLH

ClinVar aggregate classification (germline): Uncertain significance (1 of 4 stars; one submission).

Conditions:
Neuropathy, hereditary sensory, type 2C. Also called: KIF1A-Related HSAN2 (HSAN2C); Hereditary sensory and autonomic neuropathy type IIC. Identifiers: Orphanet 970, MedGen C3280168, MONDO:0013634, OMIM 614213.
Hereditary spastic paraplegia 30. Identifiers: Orphanet 101010, MedGen C5235139, MONDO:0012476.
Intellectual disability, autosomal dominant 9 (NESCAVS). Also called: KIF1A-Related Neurodevelopmental Disorder; NESCAV SYNDROME. Identifiers: Orphanet 662367, MedGen C5393830, MONDO:0013656, OMIM 614255.

Submission:

Labcorp Genetics (formerly Invitae), Labcorp
Classification: Uncertain significance for Hereditary spastic paraplegia 30; Neuropathy, hereditary sensory, type 2C; Intellectual disability, autosomal dominant 9. Last evaluated: 2024-08-19. Review status: criteria provided, single submitter. Criteria: Invitae Variant Classification Sherloc (09022015). Collection method: clinical testing. Allele origin: germline.
Comment: This sequence change replaces glycine, which is neutral and non-polar, with aspartic acid, which is acidic and polar, at codon 1160 of the KIF1A protein (p.Gly1160Asp). This variant is not present in population databases (gnomAD no frequency). This variant has not been reported in the literature in individuals affected with KIF1A-related conditions. Invitae Evidence Modeling of protein sequence and biophysical properties (such as structural, functional, and spatial information, amino acid conservation, physicochemical variation, residue mobility, and thermodynamic stability) indicates that this missense variant is not expected to disrupt KIF1A protein function with a negative predictive value of 95%. In summary, the available evidence is currently insufficient to determine the role of this variant in disease. Therefore, it has been classified as a Variant of Uncertain Significance.